The following is an entry in ClinVar:

ClinVar aggregate classification (germline): Uncertain significance (1 of 4 stars; one submission).

Allele frequency attached by ClinVar (database versions not stated): gnomAD 0.00001; TOPMed 0.00002; gnomAD exomes 0.00001.
gnomAD v4.1: 14 of 1,612,754 alleles (0.00087%); highest among the groups gnomAD compares: African/African-American, 0.0027%; no homozygotes.

Submission:

Labcorp Genetics (formerly Invitae), Labcorp
Classification: Uncertain significance. Last evaluated: 2021-08-20. Review status: criteria provided, single submitter. Criteria: Invitae Variant Classification Sherloc (09022015). Collection method: clinical testing. Allele origin: germline.
Comment: This sequence change replaces arginine with lysine at codon 440 of the LCA5 protein (p.Arg440Lys). The arginine residue is moderately conserved and there is a small physicochemical difference between arginine and lysine. This variant is not present in population databases (ExAC no frequency). This variant has not been reported in the literature in individuals affected with LCA5-related conditions. Algorithms developed to predict the effect of missense changes on protein structure and function output the following: SIFT: "Tolerated"; PolyPhen-2: "Benign"; Align-GVGD: "Class C0". The lysine amino acid residue is found in multiple mammalian species, which suggests that this missense change does not adversely affect protein function. In summary, the available evidence is currently insufficient to determine the role of this variant in disease. Therefore, it has been classified as a Variant of Uncertain Significance.

NM_001122769.3(LCA5):c.1319G>A (p.Arg440Lys)

Gene: LCA5 (lebercilin LCA5; minus strand). Cytogenetic location: 6q14.1.
Variant type: single nucleotide variant.
Coding change: c.1319G>A on transcript NM_001122769.3 (MANE Select); coding-DNA position 1319, G replaced by A.
Protein change: p.Arg440Lys; replaces arginine 440 with lysine.
Molecular consequence: missense variant.
Genome position (GRCh38, 1-based): chr6:79,487,779, C>T on the plus strand (G>A on the coding strand, the complement: LCA5 is on the minus strand). VCF-style: chr6-79487779-C-T. GRCh37 (hg19) VCF-style: chr6-80197496-C-T.
Other names: c.1319G>A, p.Arg440Lys (NM_181714.4); short protein forms R440K.
Identifiers: ClinVar variation 1519939 (VCV001519939.5), dbSNP rs1248493517, ClinGen allele CA364641165.